The following is an entry in ClinVar:

ClinVar aggregate classification (germline): Pathogenic. Review status: reviewed by expert panel (3 of 4 stars). 12 submissions from 12 submitters: Pathogenic (1). 11 of the submissions do not count toward it. Last evaluated 2016-04-22.

Conditions:
BRCA2-related cancer predisposition. Identifiers: MedGen CN377758, MONDO:0700269.
Hereditary cancer-predisposing syndrome. Also called: Hereditary Cancer Syndrome; Neoplastic Syndromes, Hereditary; Hereditary neoplastic syndrome; Tumor predisposition. Identifiers: Orphanet 140162, MedGen C0027672, MeSH D009386, MONDO:0015356.
Hereditary breast ovarian cancer syndrome. Also called: Breast and ovarian cancer; Hereditary breast and ovarian cancer syndrome; Hereditary breast and ovarian cancer syndrome (HBOC); BRCA1- and BRCA2-Associated Hereditary Breast and Ovarian Cancer; Hereditary breast and ovarian cancer; Hereditary breast and/or ovarian cancer syndrome. Identifiers: Orphanet 145, MedGen C0677776, MeSH D061325, MONDO:0003582. Disease mechanism: loss of function.
Breast-ovarian cancer, familial, susceptibility to, 2 (BROVCA2). Also called: BRCA2 Hereditary Breast and Ovarian Cancer. Identifiers: Orphanet 145, MedGen C2675520, MONDO:0012933, OMIM 612555. Disease mechanism: loss of function.
Familial cancer of breast. Also called: hereditary breast carcinoma; Hereditary breast cancer; BREAST CANCER, FAMILIAL. Identifiers: Orphanet 227535, MedGen C0346153, MONDO:0016419, OMIM 114480. Disease mechanism: loss of function.

Submissions (12):

Evidence-based Network for the Interpretation of Germline Mutant Alleles (ENIGMA)
Classification: Pathogenic for Breast-ovarian cancer, familial, susceptibility to, 2. Last evaluated: 2016-04-22. Review status: reviewed by expert panel. Criteria: ENIGMA BRCA1/2 Classification Criteria (2015). Collection method: curation. Allele origin: germline.
Comment: Variant allele predicted to encode a truncated non-functional protein.

Hema, HEMA – Genetic and Molecular Diagnostic Laboratory
Classification: Pathogenic for BRCA2-related cancer predisposition. Last evaluated: 2025-05-12. Review status: criteria provided, single submitter. Criteria: HEMA Variant Classification Assertion Criteria. Collection method: clinical testing. Allele origin: germline. Not counted in ClinVar's aggregate classification.
Comment: It is a duplication of a thymine nucleotide that results in a premature stop codon at codon 10 of BRCA2. PVS1: Null variant in a gene for which loss of function is a known disease mechanism. It is a frameshift variant that results in a premature stop codon in exon 10/27, which is predicted to lead to nonsense-mediated decay (NMD) of the transcript. PM5_Strong (PTC): Variant that introduces a stop codon in exon 10 of BRCA2.

Quest Diagnostics Nichols Institute San Juan Capistrano
Classification: Pathogenic. Last evaluated: 2024-12-28. Review status: criteria provided, single submitter. Criteria: Quest Diagnostics criteria. Collection method: clinical testing. Allele origin: unknown. Not counted in ClinVar's aggregate classification.
Comment: The BRCA2 c.1842dup (p.Asn615*) variant causes the premature termination of BRCA2 protein synthesis. This variant has been reported in the published literature in individuals with breast cancer (PMID: 33573335 (2021), 33403015 (2020), 30240327 (2018), 20033483 (2013)). This variant has not been reported in large, multi-ethnic general populations (Genome Aggregation Database). Based on the available information, this variant is classified as pathogenic.

Color Diagnostics, LLC DBA Color Health
Classification: Pathogenic for Hereditary cancer-predisposing syndrome. Last evaluated: 2023-10-03. Review status: criteria provided, single submitter. Criteria: ACMG Guidelines, 2015. Collection method: clinical testing. Allele origin: germline. Not counted in ClinVar's aggregate classification.
Comment: This variant inserts 1 nucleotide in exon 10 of the BRCA2 gene, creating a frameshift and premature translation stop signal. This variant is expected to result in an absent or non-functional protein product. This variant has been reported in individuals with a personal or family history of breast and/or ovarian cancer (PMID: 20033483, 23479189, 29446198, 30240327, 31090900, 33403015, 33573335). This variant has not been identified in the general population by the Genome Aggregation Database (gnomAD). Loss of BRCA2 function is a known mechanism of disease. Based on the available evidence, this variant is classified as Pathogenic.

Ambry Genetics
Classification: Pathogenic for Hereditary cancer-predisposing syndrome. Last evaluated: 2023-05-25. Review status: criteria provided, single submitter. Criteria: Ambry Variant Classification Scheme 2023. Collection method: clinical testing. Allele origin: germline. Not counted in ClinVar's aggregate classification.
Comment: The c.1842dupT pathogenic mutation, located in coding exon 9 of the BRCA2 gene, results from a duplication of T at nucleotide position 1842, causing a translational frameshift with a predicted alternate stop codon (p.N615*). This alteration has been reported in multiple individuals with personal and/or family history of hereditary breast and/or ovarian cancer (Esteban Carde&ntilde;osa E et al. Breast Cancer Res. Treat. 2010 May;121:257-60; Ruiz A et al. Biomed Res Int 2014 Jun;2014:542541). Of note, this alteration is also designated as 2070dupT in published literature. In addition to the clinical data presented in the literature, this alteration is expected to result in loss of function by premature protein truncation or nonsense-mediated mRNA decay. As such, this alteration is interpreted as a disease-causing mutation.

Labcorp Genetics (formerly Invitae), Labcorp
Classification: Pathogenic for Hereditary breast ovarian cancer syndrome. Last evaluated: 2022-11-08. Review status: criteria provided, single submitter. Criteria: Invitae Variant Classification Sherloc (09022015). Collection method: clinical testing. Allele origin: germline. Not counted in ClinVar's aggregate classification.
Comment: For these reasons, this variant has been classified as Pathogenic. ClinVar contains an entry for this variant (Variation ID: 51212). This variant is also known as 2070dupT. This premature translational stop signal has been observed in individual(s) with breast and/or ovarian cancer (PMID: 20033483). This variant is not present in population databases (gnomAD no frequency). This sequence change creates a premature translational stop signal (p.Asn615*) in the BRCA2 gene. It is expected to result in an absent or disrupted protein product. Loss-of-function variants in BRCA2 are known to be pathogenic (PMID: 20104584).

Baylor Genetics
Classification: Pathogenic for Familial cancer of breast. Last evaluated: 2022-01-20. Review status: criteria provided, single submitter. Criteria: ACMG Guidelines, 2015. Collection method: clinical testing. Allele origin: unknown. Not counted in ClinVar's aggregate classification.

Laboratory for Molecular Medicine, Mass General Brigham Personalized Medicine
Classification: Pathogenic for Hereditary breast ovarian cancer syndrome. Last evaluated: 2019-05-28. Review status: criteria provided, single submitter. Criteria: ACMG Guidelines, 2015. Collection method: clinical testing. Allele origin: germline. Inheritance: Autosomal dominant inheritance. Not counted in ClinVar's aggregate classification.
Comment: The p.Asn615X (c.1842dupT) variant in BRCA2 has been reported in at least 3 individuals with BRCA2-related cancers (Esteban Cardeñosa 2010, BIC database). Additionally, it was classified as Pathogenic on Apr 22, 2016 by the ClinGen-approved ENIGMA expert panel (ClinVar Variation ID: 51212). This variant was absent from large population studies. The p.Asn615X (c.1842dupT) variant is an insertion of a single nucleotide, creating a premature termination codon at position 57, which is predicted to lead to a truncated or absent protein. Loss of function of the BRCA2 gene is an established disease mechanism in autosomal dominant hereditary breast and ovarian cancer syndrome (HBOC). In summary, this variant meets criteria to be classified as pathogenic for autosomal dominant HBOC. ACMG/AMP Criteria applied: PVS1, PM2, PS4_Supporting.

Women's Health and Genetics/Laboratory Corporation of America, LabCorp
Classification: Pathogenic for Hereditary breast ovarian cancer syndrome. Last evaluated: 2017-07-27. Review status: criteria provided, single submitter. Criteria: LabCorp Variant Classification Summary - May 2015. Collection method: clinical testing. Allele origin: germline. Not counted in ClinVar's aggregate classification.
Comment: Variant summary: The BRCA2 c.1842dupT (p.Asn615X) variant results in a premature termination codon, predicted to cause a truncated or absent BRCA2 protein due to nonsense mediated decay, which are commonly known mechanisms for disease. This variant is absent in 117182 control chromosomes (ExAC). Multiple publications have cited the variant in affected individuals (e.g., Jimenez_Familial Cancer_2013; Hondow_BMC Cancer_2011). In addition, multiple clinical diagnostic laboratories/reputable databases classified this variant as pathogenic. Taken together, this variant is classified as pathogenic.

GeneDx
Classification: Pathogenic. Last evaluated: 2016-05-10. Review status: criteria provided, single submitter. Criteria: GeneDx Variant Classification (06012015). Collection method: clinical testing. Allele origin: germline. Affected: yes. Not counted in ClinVar's aggregate classification.
Comment: This duplication of one nucleotide is denoted BRCA2 c.1842dupT at the cDNA level and p.Asn615Ter (N615X) at the protein level. The normal sequence, with the base that is duplicated in braces, is TAAT[T]AACT. The duplication creates a nonsense variant, which changes an Asparagine to a premature stop codon. This variant is predicted to cause loss of normal protein function through either protein truncation or nonsense-mediated mRNA decay. BRCA2 1842dupT, also denoted BRCA2 2070dupT and 2070insT using alternate nomenclature, has been observed in at least one breast/ovarian cancer family (Esteban CardeÃ±osa 2010). Based on currently available evidence, we consider this variant to be pathogenic.

Consortium of Investigators of Modifiers of BRCA1/2 (CIMBA), c/o University of Cambridge
Classification: Pathogenic for Breast-ovarian cancer, familial, susceptibility to, 2. Last evaluated: 2015-10-02. Review status: criteria provided, single submitter. Criteria: CIMBA Mutation Classification guidelines May 2016. Collection method: clinical testing. Allele origin: germline. Not counted in ClinVar's aggregate classification.

Breast Cancer Information Core (BIC) (BRCA2)
Classification: Pathogenic for Breast-ovarian cancer, familial 2. Last evaluated: 2004-02-20. Review status: no assertion criteria provided. Collection method: clinical testing. Allele origin: germline. Affected: yes. Observed: 2 variant alleles. Not counted in ClinVar's aggregate classification.

Literature cited by the submitters: PubMed 20033483 (cited by 5 submitters); PubMed 29446198 (cited by Quest Diagnostics Nichols Institute San Juan Capistrano and Color Diagnostics, LLC DBA Color Health); PubMed 33573335 (cited by Quest Diagnostics Nichols Institute San Juan Capistrano and Color Diagnostics, LLC DBA Color Health); PubMed 33403015 (cited by Quest Diagnostics Nichols Institute San Juan Capistrano and Color Diagnostics, LLC DBA Color Health); PubMed 30240327 (cited by Quest Diagnostics Nichols Institute San Juan Capistrano and Color Diagnostics, LLC DBA Color Health); PubMed 25136594 (cited by Quest Diagnostics Nichols Institute San Juan Capistrano and Ambry Genetics); PubMed 23479189 (cited by Quest Diagnostics Nichols Institute San Juan Capistrano and Color Diagnostics, LLC DBA Color Health); PubMed 31090900 (cited by Color Diagnostics, LLC DBA Color Health); PubMed 20104584 (cited by Labcorp Genetics (formerly Invitae), Labcorp); PubMed 21702907 (cited by Women's Health and Genetics/Laboratory Corporation of America, LabCorp).

NM_000059.4(BRCA2):c.1842dup (p.Asn615Ter)

Gene: BRCA2 (BRCA2 DNA repair associated; plus strand). Cytogenetic location: 13q13.1.
Variant type: Duplication.
Coding change: c.1842dup on transcript NM_000059.4 (MANE Select); coding-DNA position 1842, one base duplicated (T; older notation c.1842dupT).
Protein change: p.Asn615Ter; replaces asparagine 615 with a stop codon.
Molecular consequence: nonsense.
Genome position (GRCh38, 1-based): chr13:32,333,320, T duplicated; the last of 2 consecutive T bases (chr13:32,333,319-32,333,320); duplicating either gives the same sequence. VCF-style (leftmost placement, unchanged base first): chr13-32333318-A-AT. GRCh37 (hg19) VCF-style: chr13-32907455-A-AT.
Other names: 2070insT; 2070_2071insT; c.1842dupT (NM_000059.3); short protein forms N615*.
Identifiers: ClinVar variation 51212 (VCV000051212.26), dbSNP rs80359312, ClinGen allele CA013542.